The following is an entry in ClinVar:

NM_000455.5(STK11):c.664C>A (p.Pro222Thr)

Gene: STK11 (serine/threonine kinase 11; plus strand). Cytogenetic location: 19p13.3.
Variant type: single nucleotide variant.
Coding change: c.664C>A on transcript NM_000455.5 (MANE Select); coding-DNA position 664, C replaced by A.
Protein change: p.Pro222Thr; replaces proline 222 with threonine.
Molecular consequence: missense variant. On other transcripts: non-coding transcript variant (1).
Genome position (GRCh38, 1-based): chr19:1,220,647, C>A. VCF-style: chr19-1220647-C-A. GRCh37 (hg19) VCF-style: chr19-1220646-C-A.
Other names: c.664C>A, p.Pro222Thr (NM_001407255.1); short protein forms P222T.
Identifiers: ClinVar variation 4176612 (VCV004176612.2).

ClinVar aggregate classification (germline): Uncertain significance (1 of 4 stars; one submission).

Conditions:
Hereditary cancer-predisposing syndrome. Also called: Neoplastic Syndromes, Hereditary; Tumor predisposition; Hereditary Cancer Syndrome; Hereditary neoplastic syndrome. Identifiers: Orphanet 140162, MedGen C0027672, MeSH D009386, MONDO:0015356.

Submission:

Ambry Genetics
Classification: Uncertain significance for Hereditary cancer-predisposing syndrome. Last evaluated: 2026-05-05. Review status: criteria provided, single submitter. Criteria: Ambry Variant Classification Scheme 2023. Collection method: clinical testing. Allele origin: germline.
Comment: The p.P222T variant (also known as c.664C>A), located in coding exon 5 of the STK11 gene, results from a C to A substitution at nucleotide position 664. The proline at codon 222 is replaced by threonine, an amino acid with highly similar properties. This amino acid position is conserved. In addition, this alteration is predicted to be deleterious by in silico analysis. Based on the available evidence, the clinical significance of this variant remains unclear.